The following is an entry in ClinVar:

ClinVar aggregate classification (germline): Conflicting classifications of pathogenicity. Review status: criteria provided, conflicting classifications (1 of 4 stars). 3 submissions from 3 submitters: Uncertain significance (1); Likely benign (1). 1 of the submissions does not count toward it. Last evaluated 2025-11-15.

Conditions:
RTEL1-related disorder. Also called: RTEL1-related condition; RTEL1-related disorders.
Pulmonary fibrosis and/or bone marrow failure, Telomere-related, 3. Also called: PULMONARY FIBROSIS AND/OR BONE MARROW FAILURE SYNDROME, TELOMERE-RELATED, 3. Identifiers: Orphanet 2032, MedGen C4225346, MONDO:0014613, OMIM 616373.
Dyskeratosis congenita, autosomal recessive 5 (DKCB5). Identifiers: MedGen C3554656, MONDO:0014076, OMIM 615190.

Allele frequency attached by ClinVar (database versions not stated): TOPMed 0.00001; ESP Exome Variant Server 0.00008.
gnomAD v4.1: 14 of 1,612,428 alleles (0.00087%); highest among the groups gnomAD compares: Non-Finnish European, 0.0012%; no homozygotes.

Submissions (3):

Labcorp Genetics (formerly Invitae), Labcorp
Classification: Likely benign for Dyskeratosis congenita, autosomal recessive 5; Pulmonary fibrosis and/or bone marrow failure, Telomere-related, 3. Last evaluated: 2025-11-15. Review status: criteria provided, single submitter. Criteria: Invitae Variant Classification Sherloc (09022015). Collection method: clinical testing. Allele origin: germline.

Genetic Services Laboratory, University of Chicago
Classification: Uncertain significance. Last evaluated: 2015-08-26. Review status: criteria provided, single submitter. Criteria: ACMG Guidelines, 2015. Collection method: clinical testing. Allele origin: germline. Affected: no.

PreventionGenetics, part of Exact Sciences
Classification: Likely benign for RTEL1-related condition. Last evaluated: 2020-11-24. Review status: no assertion criteria provided. Collection method: clinical testing. Allele origin: germline. Not counted in ClinVar's aggregate classification.
Comment: This variant is classified as likely benign based on ACMG/AMP sequence variant interpretation guidelines (Richards et al. 2015 PMID: 25741868, with internal and published modifications).

NM_001283009.2(RTEL1):c.3381C>T (p.Arg1127=)

Genes: RTEL1 (regulator of telomere elongation helicase 1; plus strand), RTEL1-TNFRSF6B (RTEL1-TNFRSF6B readthrough (NMD candidate); plus strand). Cytogenetic location: 20q13.33.
Variant type: single nucleotide variant.
Coding change: c.3381C>T on transcript NM_001283009.2 (MANE Select); coding-DNA position 3381, C replaced by T.
Protein change: p.Arg1127=; no amino-acid change (arginine 1127 retained).
Molecular consequence: synonymous variant. On other transcripts: non-coding transcript variant (1).
Genome position (GRCh38, 1-based): chr20:63,695,103, C>T. VCF-style: chr20-63695103-C-T. GRCh37 (hg19) VCF-style: chr20-62326456-C-T.
Other names: c.2712C>T, p.Arg904= (NM_001283010.1); c.3381C>T, p.Arg1127= (NM_016434.4); c.3453C>T, p.Arg1151= (NM_032957.5).
Identifiers: ClinVar variation 436578 (VCV000436578.16), dbSNP rs368588082, ClinGen allele CA9966011.